The following is an entry in ClinVar:

ClinVar aggregate classification (germline): Uncertain significance. Review status: criteria provided, multiple submitters, no conflicts (2 of 4 stars). 3 submissions from 3 submitters: Uncertain significance (3). Last evaluated 2025-04-21.

Allele frequency attached by ClinVar (database versions not stated): gnomAD exomes below 0.00001; gnomAD 0.00001; TOPMed 0.00001.
gnomAD v4.1: 4 of 1,613,908 alleles (0.00025%); highest among the groups gnomAD compares: Admixed American, 0.0017%; no homozygotes.

Submissions (3):

Ambry Genetics
Classification: Uncertain significance. Last evaluated: 2025-04-21. Review status: criteria provided, single submitter. Criteria: Ambry Variant Classification Scheme 2023. Collection method: clinical testing. Allele origin: germline.
Comment: The p.E187K variant (also known as c.559G>A), located in coding exon 4 of the RNF43 gene, results from a G to A substitution at nucleotide position 559. The glutamic acid at codon 187 is replaced by lysine, an amino acid with similar properties. This amino acid position is conserved. In addition, this alteration is predicted to be tolerated by in silico analysis. Based on the available evidence, the clinical significance of this variant remains unclear.

GeneDx
Classification: Uncertain significance. Last evaluated: 2024-12-15. Review status: criteria provided, single submitter. Criteria: GeneDx Variant Classification Process June 2021. Collection method: clinical testing. Allele origin: germline. Affected: yes.
Comment: Not observed at significant frequency in large population cohorts (gnomAD); In silico analysis indicates that this missense variant does not alter protein structure/function; Has not been previously published as pathogenic or benign to our knowledge

Labcorp Genetics (formerly Invitae), Labcorp
Classification: Uncertain significance. Last evaluated: 2022-04-12. Review status: criteria provided, single submitter. Criteria: Invitae Variant Classification Sherloc (09022015). Collection method: clinical testing. Allele origin: germline.
Comment: In summary, the available evidence is currently insufficient to determine the role of this variant in disease. Therefore, it has been classified as a Variant of Uncertain Significance. Algorithms developed to predict the effect of missense changes on protein structure and function are either unavailable or do not agree on the potential impact of this missense change (SIFT: "Deleterious"; PolyPhen-2: "Probably Damaging"; Align-GVGD: "Class C0"). This variant has not been reported in the literature in individuals affected with RNF43-related conditions. The frequency data for this variant in the population databases is considered unreliable, as metrics indicate poor data quality at this position in the gnomAD database. This sequence change replaces glutamic acid, which is acidic and polar, with lysine, which is basic and polar, at codon 187 of the RNF43 protein (p.Glu187Lys).

NM_017763.6(RNF43):c.559G>A (p.Glu187Lys)

Gene: RNF43 (ring finger protein 43; minus strand). Cytogenetic location: 17q22.
Variant type: single nucleotide variant.
Coding change: c.559G>A on transcript NM_017763.6 (MANE Select); coding-DNA position 559, G replaced by A.
Protein change: p.Glu187Lys; replaces glutamic acid 187 with lysine.
Molecular consequence: missense variant.
Genome position (GRCh38, 1-based): chr17:58,363,298, C>T on the plus strand (G>A on the coding strand, the complement: RNF43 is on the minus strand). VCF-style: chr17-58363298-C-T. GRCh37 (hg19) VCF-style: chr17-56440659-C-T.
Other names: c.559G>A, p.Glu187Lys (NM_001305544.3); c.178G>A, p.Glu60Lys (NM_001305545.2); short protein forms E60K, E187K.
Identifiers: ClinVar variation 1430595 (VCV001430595.11), dbSNP rs1000142712, ClinGen allele CA292015167.
Genomic context (GRCh38, chr17:58,363,298, plus strand): 5'-AAGTGCAGGGCAAGGTCTGGAGGTCTAGTGTGCTTACCCAGGCCGGGGGCTCCTTCAGCT[C>T]AATCCTCACATGGGCCTTTTGGTTCTTGTACACAAACTCCATCAGCTTCTCAGCGTCATT-3'
Protein context (NP_060233.3, residues 177-197): YKNQKAHVRI[Glu187Lys]LKEPPAWPDY